The following is an entry in ClinVar:

ClinVar aggregate classification (germline): Uncertain significance (1 of 4 stars; one submission).

Conditions:
Inborn genetic diseases. Identifiers: MedGen C0950123, MeSH D030342.

Submission:

Ambry Genetics
Classification: Uncertain significance for Inborn genetic diseases. Last evaluated: 2025-06-22. Review status: criteria provided, single submitter. Criteria: Ambry Variant Classification Scheme 2023. Collection method: clinical testing. Allele origin: germline.
Comment: The p.A567V variant (also known as c.1700C>T), located in coding exon 7 of the SH2B3 gene, results from a C to T substitution at nucleotide position 1700. The alanine at codon 567 is replaced by valine, an amino acid with similar properties. This amino acid position is conserved. In addition, the in silico prediction for this alteration is inconclusive. Based on the available evidence, the clinical significance of this variant remains unclear.

NM_005475.3(SH2B3):c.1700C>T (p.Ala567Val)

Gene: SH2B3 (SH2B adaptor protein 3; plus strand). Cytogenetic location: 12q24.12.
Variant type: single nucleotide variant.
Coding change: c.1700C>T on transcript NM_005475.3 (MANE Select); coding-DNA position 1700, C replaced by T.
Protein change: p.Ala567Val; replaces alanine 567 with valine.
Molecular consequence: missense variant.
Genome position (GRCh38, 1-based): chr12:111,448,274, C>T. VCF-style: chr12-111448274-C-T. GRCh37 (hg19) VCF-style: chr12-111886078-C-T.
Other names: c.1094C>T, p.Ala365Val (NM_001291424.1); short protein forms A365V, A567V.
Identifiers: ClinVar variation 4163905 (VCV004163905.1).